The following is an entry in ClinVar:

NM_177924.5(ASAH1):c.126-215C>A

Gene: ASAH1 (N-acylsphingosine amidohydrolase 1; minus strand). Cytogenetic location: 8p22.
Variant type: single nucleotide variant.
Coding change: c.126-215C>A on transcript NM_177924.5 (MANE Select); 215 bases into the intron before coding-DNA position 126, C replaced by A.
Molecular consequence: intron variant.
Genome position (GRCh38, 1-based): chr8:18,071,605, G>T on the plus strand (C>A on the coding strand, the complement: ASAH1 is on the minus strand). VCF-style: chr8-18071605-G-T. GRCh37 (hg19) VCF-style: chr8-17929114-G-T.
Other names: c.174-215C>A (NM_004315.6); c.195-215C>A (NM_001127505.3); c.-70-215C>A (NM_001363743.2).
Identifiers: ClinVar variation 678178 (VCV000678178.1), dbSNP rs12546423, ClinGen allele CA12716456.

ClinVar aggregate classification (germline): Benign (1 of 4 stars; one submission).

Allele frequency attached by ClinVar (database versions not stated): 1000 Genomes Project 30x 0.29966; 1000 Genomes Project 0.30671; gnomAD 0.31655 and 0.32165; TOPMed 0.32300.
gnomAD v4.1: 49,070 of 151,890 alleles (32%); highest among the groups gnomAD compares: South Asian, 40%; 8,993 homozygotes.

Submission:

GeneDx
Classification: Benign. Last evaluated: 2018-06-19. Review status: criteria provided, single submitter. Criteria: GeneDx Variant Classification (06012015). Collection method: clinical testing. Allele origin: germline. Affected: yes.
Comment: This variant is considered likely benign or benign based on one or more of the following criteria: it is a conservative change, it occurs at a poorly conserved position in the protein, it is predicted to be benign by multiple in silico algorithms, and/or has population frequency not consistent with disease.